The following is an entry in ClinVar:

ClinVar aggregate classification (germline): Conflicting classifications of pathogenicity. Review status: criteria provided, conflicting classifications (1 of 4 stars). 3 submissions from 3 submitters: Uncertain significance (1); Likely benign (1). 1 of the submissions does not count toward it. Last evaluated 2025-11-18.

Conditions:
CYP4F22-related disorder. Also called: CYP4F22-related condition.
Autosomal recessive congenital ichthyosis 5 (ARCI5). Also called: ICHTHYOSIS CONGENITA III; Ichthyosis, nonlamellar and nonerythrodermic, congenital, autosomal recessive. Identifiers: Orphanet 313, MedGen C1858133, MONDO:0011485, OMIM 604777.

Allele frequency attached by ClinVar (database versions not stated): gnomAD exomes 0.00010 and 0.00016; ExAC 0.00013; gnomAD 0.00019 and 0.00020; TOPMed 0.00026.
gnomAD v4.1: 186 of 1,613,662 alleles (0.012%); highest among the groups gnomAD compares: Middle Eastern, 0.12%; no homozygotes.

Submissions (3):

Labcorp Genetics (formerly Invitae), Labcorp
Classification: Likely benign. Last evaluated: 2025-11-18. Review status: criteria provided, single submitter. Criteria: Invitae Variant Classification Sherloc (09022015). Collection method: clinical testing. Allele origin: germline.

Illumina Laboratory Services, Illumina
Classification: Uncertain significance for Autosomal recessive congenital ichthyosis 5. Last evaluated: 2018-01-13. Review status: criteria provided, single submitter. Criteria: ICSL Variant Classification Criteria 13 December 2019. Collection method: clinical testing. Allele origin: germline.

PreventionGenetics, part of Exact Sciences
Classification: Likely benign for CYP4F22-related condition. Last evaluated: 2019-07-15. Review status: no assertion criteria provided. Collection method: clinical testing. Allele origin: germline. Not counted in ClinVar's aggregate classification.
Comment: This variant is classified as likely benign based on ACMG/AMP sequence variant interpretation guidelines (Richards et al. 2015 PMID: 25741868, with internal and published modifications).

NM_173483.4(CYP4F22):c.873C>T (p.Ala291=)

Gene: CYP4F22 (cytochrome P450 family 4 subfamily F member 22; plus strand). Cytogenetic location: 19p13.12.
Variant type: single nucleotide variant.
Coding change: c.873C>T on transcript NM_173483.4 (MANE Select); coding-DNA position 873, C replaced by T.
Protein change: p.Ala291=; no amino-acid change (alanine 291 retained).
Molecular consequence: synonymous variant.
Genome position (GRCh38, 1-based): chr19:15,540,651, C>T. VCF-style: chr19-15540651-C-T. GRCh37 (hg19) VCF-style: chr19-15651462-C-T.
Identifiers: ClinVar variation 328439 (VCV000328439.14), dbSNP rs747568295, ClinGen allele CA9269722.